The following is an entry in ClinVar:

ClinVar aggregate classification (germline): Uncertain significance (1 of 4 stars; one submission).

Conditions:
AFF4-related disorder. Also called: AFF4-related condition.

Submission:

PreventionGenetics, part of Exact Sciences
Classification: Uncertain significance for AFF4-related condition. Last evaluated: 2026-01-12. Review status: criteria provided, single submitter. Criteria: ACMG Guidelines, 2015. Collection method: clinical testing. Allele origin: germline.
Comment: The AFF4 c.2036C>G variant is predicted to result in the amino acid substitution p.Ser679Cys. To our knowledge, this variant has not been reported in the literature or in a large population database (gnomAD), indicating this variant is rare. At this time, the clinical significance of this variant is uncertain due to the absence of conclusive functional and genetic evidence.

NM_014423.4(AFF4):c.2036C>G (p.Ser679Cys)

Gene: AFF4 (ALF transcription elongation factor 4; minus strand). Cytogenetic location: 5q31.1.
Variant type: single nucleotide variant.
Coding change: c.2036C>G on transcript NM_014423.4 (MANE Select); coding-DNA position 2036, C replaced by G.
Protein change: p.Ser679Cys; replaces serine 679 with cysteine.
Molecular consequence: missense variant.
Genome position (GRCh38, 1-based): chr5:132,896,594, G>C on the plus strand (C>G on the coding strand, the complement: AFF4 is on the minus strand). VCF-style: chr5-132896594-G-C. GRCh37 (hg19) VCF-style: chr5-132232286-G-C.
Other names: short protein forms S679C.
Identifiers: ClinVar variation 4996451 (VCV004996451.1).